The following is an entry in ClinVar:

NM_005565.5(LCP2):c.1100+3T>C

Gene: LCP2 (lymphocyte cytosolic protein 2; minus strand). Cytogenetic location: 5q35.1.
Variant type: single nucleotide variant.
Coding change: c.1100+3T>C on transcript NM_005565.5 (MANE Select); 3 bases into the intron after coding-DNA position 1100, T replaced by C.
Molecular consequence: intron variant.
Genome position (GRCh38, 1-based): chr5:170,258,034, A>G on the plus strand (T>C on the coding strand, the complement: LCP2 is on the minus strand). VCF-style: chr5-170258034-A-G. GRCh37 (hg19) VCF-style: chr5-169685038-A-G.
Identifiers: ClinVar variation 4847915 (VCV004847915.1).

ClinVar aggregate classification (germline): Benign (1 of 4 stars; one submission).

gnomAD v4.1: 668 of 1,613,906 alleles (0.041%); highest among the groups gnomAD compares: South Asian, 0.38%; 4 homozygotes.

Submission:

Women's Health and Genetics/Laboratory Corporation of America, LabCorp
Classification: Benign. Last evaluated: 2026-02-11. Review status: criteria provided, single submitter. Criteria: LabCorp Variant Classification Summary - May 2015. Collection method: clinical testing. Allele origin: germline.
Comment: Variant summary: LCP2 c.1100+3T>C alters a conserved nucleotide located close to a canonical splice site and therefore could affect mRNA splicing, leading to a significantly altered protein sequence. Several computational tools predict a significant impact on normal splicing: Three predict the variant weakens a canonical 5' donor site. However, these predictions have yet to be confirmed by functional studies. The variant allele was found at a frequency of 0.00057 in 249182 control chromosomes, predominantly at a frequency of 0.0035 within the South Asian subpopulation in the gnomAD database. The observed variant frequency within South Asian control individuals in the gnomAD database exceeds the estimated maximal expected allele frequency for disease-causing variants in LCP2. To our knowledge, no occurrence of c.1100+3T>C in individuals affected with LCP2-related conditions and no experimental evidence demonstrating its impact on protein function have been reported. No submitters have cited clinical-significance assessments for this variant to ClinVar. Based on the evidence outlined above, the variant was classified as benign.